The following is an entry in ClinVar:

NM_177438.3(DICER1):c.4237_4239dup (p.Leu1413dup)

Gene: DICER1 (dicer 1, ribonuclease III; minus strand). Cytogenetic location: 14q32.13.
Variant type: Duplication.
Coding change: c.4237_4239dup on transcript NM_177438.3 (MANE Select); coding-DNA positions 4237 to 4239, 3 bases duplicated (CTG; older notation c.4237_4239dupCTG).
Protein change: p.Leu1413dup; duplicates leucine 1413.
Molecular consequence: inframe insertion.
Genome position (GRCh38, 1-based): chr14:95,096,681-95,096,683, CAG duplicated on the plus strand (CTG on the coding strand, the reverse complement: DICER1 is on the minus strand). VCF-style (leftmost placement, unchanged base first): chr14-95096680-C-CCAG. GRCh37 (hg19) VCF-style: chr14-95563017-C-CCAG.
Other names: c.4237_4239dup, p.Leu1413dup (NM_001195573.1, NM_001271282.3, NM_001291628.2 and 1 more transcripts).
Identifiers: ClinVar variation 1508574 (VCV001508574.9), dbSNP rs2139854934, ClinGen allele CA2573150315.
Genomic context (GRCh38, chr14:95,096,680, plus strand): 5'-CCTTCGGAGCCCTCCACATCAGGCTCTCCTCCTCCTCATCCTCCTCCTCGTAATCCTCAT[C>CCAG]CAGTTTGCCATTCGCCAGCATGCAGTCTTTTGTCTGAAACGAGGGGGAATGGGGAAGGAG-3'

ClinVar aggregate classification (germline): Uncertain significance (1 of 4 stars; one submission).

Conditions:
DICER1-related tumor predisposition. Also called: DICER1 syndrome; DICER1-related pleuropulmonary blastoma cancer predisposition syndrome. Identifiers: Orphanet 284343, MedGen C3839822, MONDO:0100216.

Submission:

Labcorp Genetics (formerly Invitae), Labcorp
Classification: Uncertain significance for DICER1-related tumor predisposition. Last evaluated: 2024-10-07. Review status: criteria provided, single submitter. Criteria: Invitae Variant Classification Sherloc (09022015). Collection method: clinical testing. Allele origin: germline.
Comment: This variant, c.4237_4239dup, results in the insertion of 1 amino acid(s) of the DICER1 protein (p.Leu1413dup), but otherwise preserves the integrity of the reading frame. This variant is not present in population databases (gnomAD no frequency). This variant has not been reported in the literature in individuals affected with DICER1-related conditions. ClinVar contains an entry for this variant (Variation ID: 1508574). Experimental studies and prediction algorithms are not available or were not evaluated, and the functional significance of this variant is currently unknown. In summary, the available evidence is currently insufficient to determine the role of this variant in disease. Therefore, it has been classified as a Variant of Uncertain Significance.